The following is an entry in ClinVar:

ClinVar aggregate classification (germline): Pathogenic/Likely pathogenic. Review status: criteria provided, multiple submitters, no conflicts (2 of 4 stars). 6 submissions from 6 submitters: Pathogenic (4); Likely pathogenic (1). 1 of the submissions does not count toward it. Last evaluated 2026-03-05.

Conditions:
Episodic ataxia type 2 (EA2). Also called: EPISODIC ATAXIA, NYSTAGMUS-ASSOCIATED; ACETAZOLAMIDE-RESPONSIVE HEREDITARY PAROXYSMAL CEREBELLAR ATAXIA; ATAXIA, EPISODIC, WITH NYSTAGMUS; ATAXIA, FAMILIAL PAROXYSMAL; CEREBELLAR ATAXIA, PAROXYSMAL, ACETAZOLAMIDE-RESPONSIVE; CEREBELLOPATHY, HEREDITARY PAROXYSMAL. Identifiers: Orphanet 97, MedGen C1720416, MONDO:0007163, OMIM 108500.
Developmental and epileptic encephalopathy, 42 (DEE42A). Also called: DEVELOPMENTAL AND EPILEPTIC ENCEPHALOPATHY 42A; EPILEPTIC ENCEPHALOPATHY, EARLY INFANTILE, 42A; Epileptic encephalopathy, early infantile, 42. Identifiers: MedGen C4310716, MONDO:0014917, OMIM 617106.
Ataxia. Identifiers: MedGen C0004134, HP:0001251.
Migraine, familial hemiplegic, 1. Also called: MIGRAINE, FAMILIAL HEMIPLEGIC 1, WITH PROGRESSIVE CEREBELLAR ATAXIA. Identifiers: Orphanet 569, MedGen C1832884, MONDO:0020756, OMIM 141500, MONDO:0007714.

gnomAD v4.1: 2 of 1,613,898 alleles (0.00012%); highest among the groups gnomAD compares: Non-Finnish European, 0.000085%; no homozygotes.

Submissions (6):

Clinical Genetics Laboratory, Skane University Hospital Lund
Classification: Pathogenic for Ataxia. Last evaluated: 2026-03-05. Review status: criteria provided, single submitter. Criteria: ACMG Guidelines, 2015. Collection method: clinical testing. Allele origin: germline. Affected: yes.
Comment: CACNA1A (NM_001127222.2) c.4996C>T, p.(Arg1666Trp) denotes a nucleotide substitution in exon 32 of 47, resulting in the amino acid change described above, which is predicted to be damaging to the protein.CACNA1A c.4996C>T has previously been detected at a low allele frequency in the general population, has been described in patients in the literature (PMID: 11439943, 18437043, 39110218), and is reported as predominantly pathogenic in the ClinVar database (Variation ID: 68433).Segregation in a family with related symptoms has previously been observed (PMID: 39110218, family 1). The variant has been classified as pathogenic according to the following ACMG criteria: PS4, PP1_strong, and PP3.

Labcorp Genetics (formerly Invitae), Labcorp
Classification: Pathogenic for Developmental and epileptic encephalopathy, 42; Episodic ataxia type 2. Last evaluated: 2024-07-23. Review status: criteria provided, single submitter. Criteria: Invitae Variant Classification Sherloc (09022015). Collection method: clinical testing. Allele origin: germline.
Comment: This sequence change replaces arginine, which is basic and polar, with tryptophan, which is neutral and slightly polar, at codon 1667 of the CACNA1A protein (p.Arg1667Trp). This variant is not present in population databases (gnomAD no frequency). This missense change has been observed in individuals with familial hemiplegic migraine (PMID: 11439943). It has also been observed to segregate with disease in related individuals. ClinVar contains an entry for this variant (Variation ID: 68433). Advanced modeling of protein sequence and biophysical properties (such as structural, functional, and spatial information, amino acid conservation, physicochemical variation, residue mobility, and thermodynamic stability) performed at Invitae indicates that this missense variant is expected to disrupt CACNA1A protein function with a positive predictive value of 95%. This variant disrupts the p.Arg1667 amino acid residue in CACNA1A. Other variant(s) that disrupt this residue have been determined to be pathogenic (PMID: 32170034). This suggests that this residue is clinically significant, and that variants that disrupt this residue are likely to be disease-causing. For these reasons, this variant has been classified as Pathogenic.

Institute of Medical Genetics and Applied Genomics, University Hospital Tübingen
Classification: Pathogenic for Migraine, familial hemiplegic, 1. Last evaluated: 2023-06-13. Review status: criteria provided, single submitter. Criteria: ACMG Guidelines, 2015. Collection method: clinical testing. Allele origin: germline. Inheritance: Autosomal dominant inheritance. Affected: yes.

Athena Diagnostics
Classification: Likely pathogenic. Last evaluated: 2019-08-12. Review status: criteria provided, single submitter. Criteria: Athena Diagnostics Criteria. Collection method: clinical testing. Allele origin: germline.
Comment: Not found in the total gnomAD dataset, and the data is high quality (0/278210 chr). Found in at least one symptomatic patient. Predicted to have a damaging effect on the protein. Statistically associated with disease, but in a single family (p < 0.05).

Center of Genomic medicine, Geneva, University Hospital of Geneva
Classification: Pathogenic for Migraine, familial hemiplegic, 1. Last evaluated: 2016-04-25. Review status: criteria provided, single submitter. Criteria: ACMG Guidelines, 2015. Collection method: clinical testing. Allele origin: germline. Affected: yes. Study: Final Reports_Cases2015_1.
Comment: Pathogenic variants in CACNA1A have been reported to cause familial hemiplegic migraine.

UniProtKB/Swiss-Prot
No classification provided. Condition: Familial hemiplegic migraine type 1. Review status: no classification provided. Collection method: not provided. Allele origin: not provided. Not counted in ClinVar's aggregate classification.
Comment: Variant designated as R1668W in source PubMed 11439943

Literature cited by the submitters: PubMed 11439943 (cited by Labcorp Genetics (formerly Invitae), Labcorp and Athena Diagnostics); PubMed 32170034 (cited by Labcorp Genetics (formerly Invitae), Labcorp); PubMed 11960817 (cited by Athena Diagnostics); PubMed 28978442 (cited by Athena Diagnostics); PubMed 12111613 (cited by Athena Diagnostics); PubMed 30063100 (cited by Athena Diagnostics); PubMed 23961289 (cited by Athena Diagnostics).

NM_001127222.2(CACNA1A):c.4996C>T (p.Arg1666Trp)

Gene: CACNA1A (calcium voltage-gated channel subunit alpha1 A; minus strand). Cytogenetic location: 19p13.13.
Variant type: single nucleotide variant.
Coding change: c.4996C>T on transcript NM_001127222.2 (MANE Select); coding-DNA position 4996, C replaced by T.
Protein change: p.Arg1666Trp; replaces arginine 1666 with tryptophan.
Molecular consequence: missense variant.
Genome position (GRCh38, 1-based): chr19:13,235,685, G>A on the plus strand (C>T on the coding strand, the complement: CACNA1A is on the minus strand). VCF-style: chr19-13235685-G-A. GRCh37 (hg19) VCF-style: chr19-13346499-G-A.
Other names: R1668W; c.5014C>T, p.Arg1672Trp (NM_000068.4, NM_023035.3); c.4999C>T, p.Arg1667Trp (NM_001127221.2); c.5005C>T, p.Arg1669Trp (NM_001174080.2); short protein forms R1667W, R1669W, R1666W, R1672W.
Identifiers: ClinVar variation 68433 (VCV000068433.7), dbSNP rs121908220, ClinGen allele CA266053.
Genomic context (GRCh38, chr19:13,235,685, plus strand): 5'-GCACAAAGGTCCAGAGAAGAATGCGGATGGTGTAACCCTGACGGAGAAGTTTGATGAGCC[G>A]GGCAGCTCGGAAGAGGCGGAGAAAGCTCAGGTTGATGAAGTTATTCTGGGGAGATGGAGG-3'
Protein context (NP_001120694.1, residues 1656-1676): LSFLRLFRAA[Arg1666Trp]LIKLLRQGYT